The following is an entry in ClinVar:

NM_000666.3(ACY1):c.1022A>G (p.Glu341Gly)

Genes: ABHD14A-ACY1 (ABHD14A-ACY1 readthrough; plus strand), ACY1 (aminoacylase 1; plus strand). Cytogenetic location: 3p21.2.
Variant type: single nucleotide variant.
Coding change: c.1022A>G on transcript NM_000666.3 (MANE Select); coding-DNA position 1022, A replaced by G.
Protein change: p.Glu341Gly; replaces glutamic acid 341 with glycine.
Molecular consequence: missense variant.
Genome position (GRCh38, 1-based): chr3:51,988,786, A>G. VCF-style: chr3-51988786-A-G. GRCh37 (hg19) VCF-style: chr3-52022802-A-G.
Other names: c.1292A>G, p.Glu431Gly (NM_001316331.2); c.1022A>G, p.Glu341Gly (NM_001198895.2); c.806A>G, p.Glu269Gly (NM_001198896.2); c.827A>G, p.Glu276Gly (NM_001198897.2); c.917A>G, p.Glu306Gly (NM_001198898.2); short protein forms E431G, E269G, E306G, E341G, E276G.
Identifiers: ClinVar variation 1384639 (VCV001384639.10), dbSNP rs763707851, ClinGen allele CA2428727.
Genomic context (GRCh38, chr3:51,988,786, plus strand): 5'-GCTTTCTCCCTCCCCATTCATCAGGCTCTTTCTCCTACAGGAACCTCACTCTGGAGCCTG[A>G]GATCATGCCTGCTGCCACTGACAACCGCTATATCCGCGCGGTGAGCCACTTGCATATAGT-3'
Protein context (NP_000657.1, residues 331-351): CKDMNLTLEP[Glu341Gly]IMPAATDNRY

ClinVar aggregate classification (germline): Uncertain significance. Review status: criteria provided, multiple submitters, no conflicts (2 of 4 stars). 3 submissions from 3 submitters: Uncertain significance (3). Last evaluated 2025-12-15.

Conditions:
Inborn genetic diseases. Identifiers: MedGen C0950123, MeSH D030342.

Allele frequency attached by ClinVar (database versions not stated): gnomAD exomes 0.00005 and 0.00006; TOPMed 0.00005; gnomAD 0.00006; ExAC 0.00009.

Submissions (3):

Labcorp Genetics (formerly Invitae), Labcorp
Classification: Uncertain significance. Last evaluated: 2025-12-15. Review status: criteria provided, single submitter. Criteria: Invitae Variant Classification Sherloc (09022015). Collection method: clinical testing. Allele origin: germline.
Comment: This sequence change replaces glutamic acid, which is acidic and polar, with glycine, which is neutral and non-polar, at codon 341 of the ACY1 protein (p.Glu341Gly). This variant is present in population databases (rs763707851, gnomAD 0.01%). This variant has not been reported in the literature in individuals affected with ACY1-related conditions. ClinVar contains an entry for this variant (Variation ID: 1384639). Invitae Evidence Modeling of protein sequence and biophysical properties (such as structural, functional, and spatial information, amino acid conservation, physicochemical variation, residue mobility, and thermodynamic stability) indicates that this missense variant is not expected to disrupt ACY1 protein function with a negative predictive value of 80%. In summary, the available evidence is currently insufficient to determine the role of this variant in disease. Therefore, it has been classified as a Variant of Uncertain Significance.

Blueprint Genetics
Classification: Uncertain significance. Last evaluated: 2024-07-10. Review status: criteria provided, single submitter. Criteria: ACMG Guidelines, 2015. Collection method: clinical testing. Allele origin: germline.

Ambry Genetics
Classification: Uncertain significance for Inborn genetic diseases. Last evaluated: 2021-08-02. Review status: criteria provided, single submitter. Criteria: Ambry Variant Classification Scheme 2023. Collection method: clinical testing. Allele origin: germline.